The following is an entry in ClinVar:

ClinVar aggregate classification (germline): Uncertain significance (1 of 4 stars; one submission).

Allele frequency attached by ClinVar (database versions not stated): gnomAD exomes below 0.00001.
gnomAD v4.1: 4 of 1,614,186 alleles (0.00025%); highest among the groups gnomAD compares: Non-Finnish European, 0.00034%; no homozygotes.

Submission:

Labcorp Genetics (formerly Invitae), Labcorp
Classification: Uncertain significance. Last evaluated: 2022-05-20. Review status: criteria provided, single submitter. Criteria: Invitae Variant Classification Sherloc (09022015). Collection method: clinical testing. Allele origin: germline.
Comment: This sequence change replaces histidine, which is basic and polar, with arginine, which is basic and polar, at codon 342 of the MERTK protein (p.His342Arg). This variant is not present in population databases (gnomAD no frequency). In summary, the available evidence is currently insufficient to determine the role of this variant in disease. Therefore, it has been classified as a Variant of Uncertain Significance. Algorithms developed to predict the effect of missense changes on protein structure and function (SIFT, PolyPhen-2, Align-GVGD) all suggest that this variant is likely to be disruptive. This variant has not been reported in the literature in individuals affected with MERTK-related conditions.

NM_006343.3(MERTK):c.1025A>G (p.His342Arg)

Genes: MERTK (MER proto-oncogene, tyrosine kinase; plus strand), LOC112806037 (Sharpr-MPRA regulatory region 3720; plus strand). Cytogenetic location: 2q13.
Variant type: single nucleotide variant.
Coding change: c.1025A>G on transcript NM_006343.3 (MANE Select); coding-DNA position 1025, A replaced by G.
Protein change: p.His342Arg; replaces histidine 342 with arginine.
Molecular consequence: missense variant.
Genome position (GRCh38, 1-based): chr2:111,975,353, A>G. VCF-style: chr2-111975353-A-G. GRCh37 (hg19) VCF-style: chr2-112732930-A-G.
Other names: short protein forms H342R.
Identifiers: ClinVar variation 1996801 (VCV001996801.4), dbSNP rs2466829311, ClinGen allele CA348233473.